The following is an entry in ClinVar:

NM_004655.4(AXIN2):c.1010T>C (p.Met337Thr)

Gene: AXIN2 (axin 2; minus strand). Cytogenetic location: 17q24.1.
Variant type: single nucleotide variant.
Coding change: c.1010T>C on transcript NM_004655.4 (MANE Select); coding-DNA position 1010, T replaced by C.
Protein change: p.Met337Thr; replaces methionine 337 with threonine.
Molecular consequence: missense variant.
Genome position (GRCh38, 1-based): chr17:65,541,504, A>G on the plus strand (T>C on the coding strand, the complement: AXIN2 is on the minus strand). VCF-style: chr17-65541504-A-G. GRCh37 (hg19) VCF-style: chr17-63537622-A-G.
Other names: c.1010T>C (LRG_296t1); c.1010T>C, p.Met337Thr (NM_001363813.1); short protein forms M337T.
Identifiers: ClinVar variation 567699 (VCV000567699.9), dbSNP rs1418913084, ClinGen allele CA400679253.

ClinVar aggregate classification (germline): Uncertain significance. Review status: criteria provided, multiple submitters, no conflicts (2 of 4 stars). 2 submissions from 2 submitters: Uncertain significance (2). Last evaluated 2025-11-15.

Conditions:
Hereditary cancer-predisposing syndrome. Also called: Neoplastic Syndromes, Hereditary; Tumor predisposition; Hereditary neoplastic syndrome; Hereditary Cancer Syndrome. Identifiers: Orphanet 140162, MedGen C0027672, MeSH D009386, MONDO:0015356.
Oligodontia-cancer predisposition syndrome. Also called: TOOTH AGENESIS-COLORECTAL CANCER SYNDROME. Identifiers: Orphanet 300576, MedGen C1837750, MONDO:0012075, OMIM 608615. Disease mechanism: loss of function.

Allele frequency attached by ClinVar (database versions not stated): gnomAD exomes below 0.00001 and 0.00001; TOPMed below 0.00001; gnomAD 0.00001.
gnomAD v4.1: 10 of 1,614,028 alleles (0.00062%); highest among the groups gnomAD compares: Non-Finnish European, 0.00085%; no homozygotes.

Submissions (2):

Ambry Genetics
Classification: Uncertain significance for Hereditary cancer-predisposing syndrome. Last evaluated: 2025-11-15. Review status: criteria provided, single submitter. Criteria: Ambry Variant Classification Scheme 2023. Collection method: clinical testing. Allele origin: germline.
Comment: The p.M337T variant (also known as c.1010T>C), located in coding exon 3 of the AXIN2 gene, results from a T to C substitution at nucleotide position 1010. The methionine at codon 337 is replaced by threonine, an amino acid with similar properties. This amino acid position is conserved. In addition, this alteration is predicted to be deleterious by in silico analysis. Based on the available evidence, the clinical significance of this variant remains unclear.

Labcorp Genetics (formerly Invitae), Labcorp
Classification: Uncertain significance for Oligodontia-cancer predisposition syndrome. Last evaluated: 2025-11-10. Review status: criteria provided, single submitter. Criteria: Invitae Variant Classification Sherloc (09022015). Collection method: clinical testing. Allele origin: germline.
Comment: This sequence change replaces methionine, which is neutral and non-polar, with threonine, which is neutral and polar, at codon 337 of the AXIN2 protein (p.Met337Thr). This variant is present in population databases (no rsID available, gnomAD 0.0009%). This variant has not been reported in the literature in individuals affected with AXIN2-related conditions. ClinVar contains an entry for this variant (Variation ID: 567699). Invitae Evidence Modeling of protein sequence and biophysical properties (such as structural, functional, and spatial information, amino acid conservation, physicochemical variation, residue mobility, and thermodynamic stability) indicates that this missense variant is not expected to disrupt AXIN2 protein function with a negative predictive value of 80%. In summary, the available evidence is currently insufficient to determine the role of this variant in disease. Therefore, it has been classified as a Variant of Uncertain Significance.